The following is an entry in ClinVar:

NM_001358235.2(DCHS2):c.5926G>T (p.Ala1976Ser)

Genes: DCHS2 (dachsous cadherin-related 2; minus strand), DCHS2-AS1 (DCHS2 antisense RNA 1; plus strand). Cytogenetic location: 4q31.3.
Variant type: single nucleotide variant.
Coding change: c.5926G>T on transcript NM_001358235.2 (MANE Select); coding-DNA position 5926, G replaced by T.
Protein change: p.Ala1976Ser; replaces alanine 1976 with serine.
Molecular consequence: missense variant.
Genome position (GRCh38, 1-based): chr4:154,298,388, C>A on the plus strand (G>T on the coding strand, the complement: DCHS2 is on the minus strand). VCF-style: chr4-154298388-C-A. GRCh37 (hg19) VCF-style: chr4-155219540-C-A.
Other names: short protein forms A1976S.
Identifiers: ClinVar variation 3037913 (VCV003037913.2), dbSNP rs141467714, ClinGen allele CA3112542.
Genomic context (GRCh38, chr4:154,298,388, plus strand): 5'-CGAGGGTGTTGCTGGTTTTCAATGTGCCTGACATAGGATCAATGGTGAATGCACCAGAAG[C>A]CTCATCAGTCAGAAAATACTCAGTTTGCCCATTCAGGCCTTCATCCTTGTCCACAGCTGA-3'
Protein context (NP_001345164.1, residues 1966-1986): GQTEYFLTDE[Ala1976Ser]SGAFTIDPMS

ClinVar aggregate classification (germline): Likely benign (0 of 4 stars; one submission).

Conditions:
DCHS2-related disorder. Also called: DCHS2-related condition.

Allele frequency attached by ClinVar (database versions not stated): 1000 Genomes Project 30x 0.00016; ExAC 0.00143; gnomAD 0.00210; TOPMed 0.00214; ESP Exome Variant Server 0.00269; gnomAD exomes 0.00372.
gnomAD v4.1: 5,629 of 1,614,164 alleles (0.35%); highest among the groups gnomAD compares: Non-Finnish European, 0.46%; 12 homozygotes.

Submission:

PreventionGenetics, part of Exact Sciences
Classification: Likely benign for DCHS2-related condition. Last evaluated: 2022-02-01. Review status: no assertion criteria provided. Collection method: clinical testing. Allele origin: germline.
Comment: This variant is classified as likely benign based on ACMG/AMP sequence variant interpretation guidelines (Richards et al. 2015 PMID: 25741868, with internal and published modifications).